The following is an entry in ClinVar:

NM_000092.5(COL4A4):c.4903C>T (p.Gln1635Ter)

Gene: COL4A4 (collagen type IV alpha 4 chain; minus strand). Cytogenetic location: 2q36.3.
Variant type: single nucleotide variant.
Coding change: c.4903C>T on transcript NM_000092.5 (MANE Select); coding-DNA position 4903, C replaced by T.
Protein change: p.Gln1635Ter; replaces glutamine 1635 with a stop codon.
Molecular consequence: nonsense.
Genome position (GRCh38, 1-based): chr2:227,007,495, G>A on the plus strand (C>T on the coding strand, the complement: COL4A4 is on the minus strand). VCF-style: chr2-227007495-G-A. GRCh37 (hg19) VCF-style: chr2-227872211-G-A.
Other names: short protein forms Q1635*.
Identifiers: ClinVar variation 554208 (VCV000554208.4), dbSNP rs1553611947, ClinGen allele CA351140215.

ClinVar aggregate classification (germline): Likely pathogenic. Review status: criteria provided, single submitter (1 of 4 stars). 2 submissions from 2 submitters: Likely pathogenic (1). 1 of the submissions does not count toward it. Last evaluated 2025-01-24.

Conditions:
Autosomal recessive Alport syndrome (ATS2). Also called: ALPORT SYNDROME 2, AUTOSOMAL RECESSIVE; Alport syndrome type 2; COL4A3-Related Nephropathy; COL4A4 Alport Syndrome and Thin Basement Membrane Nephropathy. Identifiers: Orphanet 63, Orphanet 88919, MedGen C4746745, MONDO:0008762, OMIM 203780.
Alport syndrome. Also called: Hemorrhagic familial nephritis; Hemorrhagic hereditary nephritis; Congenital hereditary hematuria. Identifiers: Orphanet 63, MedGen C1567741, MONDO:0018965.

Allele frequency attached by ClinVar (database versions not stated): gnomAD exomes below 0.00001.
gnomAD v4.1: 1 of 1,614,110 alleles (0.000062%); highest among the groups gnomAD compares: Non-Finnish European, 0.000085%; no homozygotes.

Submissions (2):

Natera, Inc.
Classification: Likely pathogenic for Alport syndrome. Last evaluated: 2025-01-24. Review status: criteria provided, single submitter. Criteria: Natera Variant Classification Schema (03/2026). Collection method: clinical testing. Allele origin: germline.
Comment: The c.4903C>T variant in COL4A4 is a nonsense variant predicted to introduce a stop codon at amino acid 1635. This variant is expected to result in nonsense mediated decay, truncation, or a dysfunctional protein product. This variant is rare in the general population with a frequency below the threshold expected for the associated phenotype(s). Given the available evidence, this variant is classified as Likely Pathogenic.

Counsyl
Classification: Likely pathogenic for Autosomal recessive Alport syndrome. Last evaluated: 2017-09-29. Review status: no assertion criteria provided. Collection method: clinical testing. Allele origin: unknown. Not counted in ClinVar's aggregate classification.